The following is an entry in ClinVar:

ClinVar aggregate classification (germline): Uncertain significance (1 of 4 stars; one submission).

Conditions:
Inborn genetic diseases. Identifiers: MedGen C0950123, MeSH D030342.

Submission:

Ambry Genetics
Classification: Uncertain significance for Inborn genetic diseases. Last evaluated: 2025-07-21. Review status: criteria provided, single submitter. Criteria: Ambry Variant Classification Scheme 2023. Collection method: clinical testing. Allele origin: germline.
Comment: The p.S1836F variant (also known as c.5507C>T), located in coding exon 21 of the FANCM gene, results from a C to T substitution at nucleotide position 5507. The serine at codon 1836 is replaced by phenylalanine, an amino acid with highly dissimilar properties. This amino acid position is conserved. In addition, the in silico prediction for this alteration is inconclusive. Based on the available evidence, the clinical significance of this variant remains unclear.

NM_020937.4(FANCM):c.5507C>T (p.Ser1836Phe)

Gene: FANCM (FA complementation group M; plus strand). Cytogenetic location: 14q21.2.
Variant type: single nucleotide variant.
Coding change: c.5507C>T on transcript NM_020937.4 (MANE Select); coding-DNA position 5507, C replaced by T.
Protein change: p.Ser1836Phe; replaces serine 1836 with phenylalanine.
Molecular consequence: missense variant.
Genome position (GRCh38, 1-based): chr14:45,196,338, C>T. VCF-style: chr14-45196338-C-T. GRCh37 (hg19) VCF-style: chr14-45665541-C-T.
Other names: c.5429C>T, p.Ser1810Phe (NM_001308133.2); short protein forms S1836F, S1810F.
Identifiers: ClinVar variation 4254604 (VCV004254604.1).